The following is an entry in ClinVar:

NM_005898.5(CAPRIN1):c.394C>T (p.Arg132Cys)

Gene: CAPRIN1 (cell cycle associated protein 1; plus strand). Cytogenetic location: 11p13.
Variant type: single nucleotide variant.
Coding change: c.394C>T on transcript NM_005898.5 (MANE Select); coding-DNA position 394, C replaced by T.
Protein change: p.Arg132Cys; replaces arginine 132 with cysteine.
Molecular consequence: missense variant.
Genome position (GRCh38, 1-based): chr11:34,076,263, C>T. VCF-style: chr11-34076263-C-T. GRCh37 (hg19) VCF-style: chr11-34097810-C-T.
Other names: c.394C>T, p.Arg132Cys (NM_203364.3); short protein forms R132C.
Identifiers: ClinVar variation 2295352 (VCV002295352.3), dbSNP rs2496041012, ClinGen allele CA380027237.
Genomic context (GRCh38, chr11:34,076,263, plus strand): 5'-ATTTTGGTGTTTTACTTTTATATTGTTTTGCAGATTCAGAAAACAATAAAGAAGACAGCA[C>T]GTCGGGAGCAGCTTATGAGAGAAGAAGCTGAACAGAAACGTTTAAAAACTGTACTTGAGC-3'
Protein context (NP_005889.3, residues 122-142): DIQKTIKKTA[Arg132Cys]REQLMREEAE

ClinVar aggregate classification (germline): Uncertain significance. Review status: criteria provided, multiple submitters, no conflicts (2 of 4 stars). 2 submissions from 2 submitters: Uncertain significance (2). Last evaluated 2024-12-14.

Submissions (2):

GeneDx
Classification: Uncertain significance. Last evaluated: 2024-12-14. Review status: criteria provided, single submitter. Criteria: GeneDx Variant Classification Process June 2021. Collection method: clinical testing. Allele origin: germline. Affected: yes.
Comment: Not observed at significant frequency in large population cohorts (gnomAD); In silico analysis supports that this missense variant has a deleterious effect on protein structure/function; Has not been previously published as pathogenic or benign to our knowledge

Ambry Genetics
Classification: Uncertain significance. Last evaluated: 2022-06-10. Review status: criteria provided, single submitter. Criteria: Ambry Variant Classification Scheme 2023. Collection method: clinical testing. Allele origin: germline.